The following is an entry in ClinVar:

NM_000135.4(FANCA):c.770T>C (p.Val257Ala)

Gene: FANCA (FA complementation group A; minus strand). Cytogenetic location: 16q24.3.
Variant type: single nucleotide variant.
Coding change: c.770T>C on transcript NM_000135.4 (MANE Select); coding-DNA position 770, T replaced by C.
Protein change: p.Val257Ala; replaces valine 257 with alanine.
Molecular consequence: missense variant.
Genome position (GRCh38, 1-based): chr16:89,803,281, A>G on the plus strand (T>C on the coding strand, the complement: FANCA is on the minus strand). VCF-style: chr16-89803281-A-G. GRCh37 (hg19) VCF-style: chr16-89869689-A-G.
Other names: c.770T>C, p.Val257Ala (NM_001018112.3, NM_001286167.3); c.674T>C, p.Val225Ala (NM_001351830.2); short protein forms V225A, V257A.
Identifiers: ClinVar variation 4254308 (VCV004254308.1).

ClinVar aggregate classification (germline): Uncertain significance (1 of 4 stars; one submission).

Conditions:
Inborn genetic diseases. Identifiers: MedGen C0950123, MeSH D030342.

gnomAD v4.1: 1 of 1,614,218 alleles (0.000062%); highest among the groups gnomAD compares: Admixed American, 0.0017%; no homozygotes.

Submission:

Ambry Genetics
Classification: Uncertain significance for Inborn genetic diseases. Last evaluated: 2025-08-22. Review status: criteria provided, single submitter. Criteria: Ambry Variant Classification Scheme 2023. Collection method: clinical testing. Allele origin: germline.
Comment: The p.V257A variant (also known as c.770T>C), located in coding exon 8 of the FANCA gene, results from a T to C substitution at nucleotide position 770. The valine at codon 257 is replaced by alanine, an amino acid with similar properties. This amino acid position is conserved. In addition, this alteration is predicted to be tolerated by in silico analysis. Based on the available evidence, the clinical significance of this variant remains unclear.